The following is an entry in ClinVar:

NM_001199397.3(NEK1):c.807+7del

Gene: NEK1 (NIMA related kinase 1; minus strand). Cytogenetic location: 4q33.
Variant type: Deletion.
Coding change: c.807+7del on transcript NM_001199397.3 (MANE Select); 7 bases into the intron after coding-DNA position 807, one base deleted (T; older notation c.807+7delT).
Molecular consequence: intron variant.
Genome position (GRCh38, 1-based): chr4:169,585,342, A deleted on the plus strand (T on the coding strand, the reverse complement: NEK1 is on the minus strand); the first of 2 consecutive A bases (chr4:169,585,342-169,585,343); deleting either gives the same sequence. VCF-style (leftmost placement, unchanged base first): chr4-169585341-GA-G. GRCh37 (hg19) VCF-style: chr4-170506492-GA-G.
Other names: c.807+7del (NM_001374421.1, NM_001374420.1, NM_001199399.3 and 7 more transcripts).
Identifiers: ClinVar variation 3356015 (VCV003356015.1).

ClinVar aggregate classification (germline): Likely benign (0 of 4 stars; one submission).

Conditions:
NEK1-related disorder. Also called: NEK1-related condition.

Submission:

PreventionGenetics, part of Exact Sciences
Classification: Likely benign for NEK1-related condition. Last evaluated: 2023-05-16. Review status: no assertion criteria provided. Collection method: clinical testing. Allele origin: germline.
Comment: This variant is classified as likely benign based on ACMG/AMP sequence variant interpretation guidelines (Richards et al. 2015 PMID: 25741868, with internal and published modifications).